The following is an entry in ClinVar:

NM_012254.3(SLC27A5):c.1435G>A (p.Asp479Asn)

Gene: SLC27A5 (solute carrier family 27 member 5; minus strand). Cytogenetic location: 19q13.43.
Variant type: single nucleotide variant.
Coding change: c.1435G>A on transcript NM_012254.3 (MANE Select); coding-DNA position 1435, G replaced by A.
Protein change: p.Asp479Asn; replaces aspartic acid 479 with asparagine.
Molecular consequence: missense variant.
Genome position (GRCh38, 1-based): chr19:58,500,372, C>T on the plus strand (G>A on the coding strand, the complement: SLC27A5 is on the minus strand). VCF-style: chr19-58500372-C-T. GRCh37 (hg19) VCF-style: chr19-59011739-C-T.
Other names: c.1183G>A, p.Asp395Asn (NM_001321196.2); c.1435G>A (NM_012254.2); short protein forms D395N, D479N.
Identifiers: ClinVar variation 2164572 (VCV002164572.5), dbSNP rs183486700, ClinGen allele CA9717975.

ClinVar aggregate classification (germline): Uncertain significance. Review status: criteria provided, multiple submitters, no conflicts (2 of 4 stars). 2 submissions from 2 submitters: Uncertain significance (2). Last evaluated 2025-07-14.

Allele frequency attached by ClinVar (database versions not stated): gnomAD exomes below 0.00001; ExAC 0.00002; TOPMed 0.00002; gnomAD 0.00005; 1000 Genomes Project 0.00020; 1000 Genomes Project 30x 0.00031.
gnomAD v4.1: 9 of 1,613,650 alleles (0.00056%); highest among the groups gnomAD compares: Non-Finnish European, 0.00076%; no homozygotes.

Submissions (2):

Labcorp Genetics (formerly Invitae), Labcorp
Classification: Uncertain significance. Last evaluated: 2025-07-14. Review status: criteria provided, single submitter. Criteria: Invitae Variant Classification Sherloc (09022015). Collection method: clinical testing. Allele origin: germline.
Comment: This sequence change replaces aspartic acid, which is acidic and polar, with asparagine, which is neutral and polar, at codon 479 of the SLC27A5 protein (p.Asp479Asn). This variant is present in population databases (rs183486700, gnomAD 0.003%). This variant has not been reported in the literature in individuals affected with SLC27A5-related conditions. ClinVar contains an entry for this variant (Variation ID: 2164572). An algorithm developed to predict the effect of missense changes on protein structure and function (PolyPhen-2) suggests that this variant is likely to be disruptive. In summary, the available evidence is currently insufficient to determine the role of this variant in disease. Therefore, it has been classified as a Variant of Uncertain Significance.

Ambry Genetics
Classification: Uncertain significance. Last evaluated: 2022-11-30. Review status: criteria provided, single submitter. Criteria: Ambry Variant Classification Scheme 2023. Collection method: clinical testing. Allele origin: germline.